The following is an entry in ClinVar:

NM_001370259.2(MEN1):c.909C>T (p.His303=)

Gene: MEN1 (menin 1; minus strand). Cytogenetic location: 11q13.1.
Variant type: single nucleotide variant.
Coding change: c.909C>T on transcript NM_001370259.2 (MANE Select); coding-DNA position 909, C replaced by T.
Protein change: p.His303=; no amino-acid change (histidine 303 retained).
Molecular consequence: synonymous variant.
Genome position (GRCh38, 1-based): chr11:64,807,014, G>A on the plus strand (C>T on the coding strand, the complement: MEN1 is on the minus strand). VCF-style: chr11-64807014-G-A. GRCh37 (hg19) VCF-style: chr11-64574486-G-A.
Other names: c.924C>T, p.His308= (NM_000244.4, NM_130800.3, NM_130801.3 and 3 more transcripts); c.909C>T, p.His303= (NM_001370251.2, NM_001370260.2, NM_001370261.2 and 1 more transcripts); c.804C>T, p.His268= (NM_001370262.2, NM_001370263.2); c.924C>T (NM_000244.3).
Identifiers: ClinVar variation 241830 (VCV000241830.18), dbSNP rs878855200, ClinGen allele CA10582936.
Genomic context (GRCh38, chr11:64,807,014, plus strand): 5'-CCCCTGCCTCAGCCACTGTTAGGGTCTCCCTTCTGCACCCTCCTTAGATGCCCCCACCTT[G>A]TGGTAGAGGGTGAGTGGGTCTGGCCGGCCAGGGGTGGGCTCCAGCTCCTCTAGATCTGCC-3'
Protein context (NP_001357188.2, residues 293-313): PGRPDPLTLY[His303=]KGIASAKTYY

ClinVar aggregate classification (germline): Benign/Likely benign. Review status: criteria provided, multiple submitters, no conflicts (2 of 4 stars). 5 submissions from 5 submitters: Benign (1); Likely benign (3). 1 of the submissions does not count toward it. Last evaluated 2025-10-06.

Conditions:
Hereditary cancer-predisposing syndrome. Also called: Neoplastic Syndromes, Hereditary; Tumor predisposition; Hereditary neoplastic syndrome; Hereditary Cancer Syndrome. Identifiers: Orphanet 140162, MedGen C0027672, MeSH D009386, MONDO:0015356.
MEN1-related disorder. Also called: MEN1-related condition.
Multiple endocrine neoplasia, type 1 (MEN1). Also called: MEN I; WERMER SYNDROME; Endocrine adenomatosis multiple; MEN 1; MEA I. Identifiers: Orphanet 652, MedGen C0025267, MeSH D018761, MONDO:0007540, OMIM 131100.

Allele frequency attached by ClinVar (database versions not stated): gnomAD exomes below 0.00001 and 0.00001.
gnomAD v4.1: 18 of 1,612,678 alleles (0.0011%); highest among the groups gnomAD compares: Admixed American, 0.0017%; no homozygotes.

Submissions (5):

Labcorp Genetics (formerly Invitae), Labcorp
Classification: Likely benign for Multiple endocrine neoplasia, type 1. Last evaluated: 2025-10-06. Review status: criteria provided, single submitter. Criteria: Invitae Variant Classification Sherloc (09022015). Collection method: clinical testing. Allele origin: germline.

Myriad Genetics, Inc.
Classification: Benign for Multiple endocrine neoplasia, type 1. Last evaluated: 2024-11-04. Review status: criteria provided, single submitter. Criteria: Myriad Autosomal Dominant, Autosomal Recessive and X-Linked Classification Criteria (2023). Collection method: clinical testing. Allele origin: unknown.
Comment: This variant is considered benign. This variant is a silent/synonymous amino acid change and it is not expected to impact splicing.

All of Us Research Program, National Institutes of Health
Classification: Likely benign for Multiple endocrine neoplasia, type 1. Last evaluated: 2023-12-13. Review status: criteria provided, single submitter. Criteria: ACMG Guidelines, 2015. Collection method: clinical testing. Allele origin: germline. Inheritance: Autosomal dominant inheritance. Observed: 1 variant allele, 1 heterozygote.
Comment: This study involves interpretation of variants in research participants for the purpose of population health screening. Participant phenotype was not available at the time of variant classification. Additional details can be found in publication PMID: 35346344, PMCID: PMC8962531

Ambry Genetics
Classification: Likely benign for Hereditary cancer-predisposing syndrome. Last evaluated: 2020-03-16. Review status: criteria provided, single submitter. Criteria: Ambry Variant Classification Scheme 2023. Collection method: clinical testing. Allele origin: germline.

PreventionGenetics, part of Exact Sciences
Classification: Likely benign for MEN1-related condition. Last evaluated: 2021-11-17. Review status: no assertion criteria provided. Collection method: clinical testing. Allele origin: germline. Not counted in ClinVar's aggregate classification.
Comment: This variant is classified as likely benign based on ACMG/AMP sequence variant interpretation guidelines (Richards et al. 2015 PMID: 25741868, with internal and published modifications).